The following is an entry in ClinVar:

NM_001111125.3(IQSEC2):c.544C>G (p.Arg182Gly)

Gene: IQSEC2 (IQ motif and Sec7 domain ArfGEF 2; minus strand). Cytogenetic location: Xp11.22.
Variant type: single nucleotide variant.
Coding change: c.544C>G on transcript NM_001111125.3 (MANE Select); coding-DNA position 544, C replaced by G.
Protein change: p.Arg182Gly; replaces arginine 182 with glycine.
Molecular consequence: missense variant.
Genome position (GRCh38, 1-based): chrX:53,320,580, G>C on the plus strand (C>G on the coding strand, the complement: IQSEC2 is on the minus strand). VCF-style: chrX-53320580-G-C. GRCh37 (hg19) VCF-style: chrX-53349778-G-C.
Other names: c.544C>G, p.Arg182Gly (NM_001410736.1); short protein forms R182G.
Identifiers: ClinVar variation 3774252 (VCV003774252.1).

ClinVar aggregate classification (germline): Uncertain significance (1 of 4 stars; one submission).

gnomAD v4.1: 1 of 1,153,870 alleles (0.000087%); highest among the groups gnomAD compares: Non-Finnish European, 0.00012%; no homozygotes.

Submission:

GeneDx
Classification: Uncertain significance. Last evaluated: 2024-09-24. Review status: criteria provided, single submitter. Criteria: GeneDx Variant Classification Process June 2021. Collection method: clinical testing. Allele origin: germline. Affected: yes.
Comment: Not observed at significant frequency in large population cohorts (gnomAD); In silico analysis indicates that this missense variant does not alter protein structure/function; Has not been previously published as pathogenic or benign to our knowledge